The following is an entry in ClinVar:

ClinVar aggregate classification (germline): Uncertain significance. Review status: criteria provided, multiple submitters, no conflicts (2 of 4 stars). 4 submissions from 4 submitters: Uncertain significance (3). 1 of the submissions does not count toward it. Last evaluated 2022-05-10.

Conditions:
Inborn genetic diseases. Identifiers: MedGen C0950123, MeSH D030342.
Nemaline myopathy 2 (NEM2). Also called: Nemaline myopathy 2, autosomal recessive. Identifiers: MedGen C1850569, MONDO:0009725, OMIM 256030.

Allele frequency attached by ClinVar (database versions not stated): gnomAD exomes below 0.00001; gnomAD 0.00004; TOPMed 0.00011; 1000 Genomes Project 30x 0.00016.
gnomAD v4.1: 10 of 1,612,868 alleles (0.00062%); highest among the groups gnomAD compares: Admixed American, 0.012%; no homozygotes.

Submissions (4):

Labcorp Genetics (formerly Invitae), Labcorp
Classification: Uncertain significance for Nemaline myopathy 2. Last evaluated: 2022-05-10. Review status: criteria provided, single submitter. Criteria: Invitae Variant Classification Sherloc (09022015). Collection method: clinical testing. Allele origin: germline.
Comment: This sequence change replaces leucine, which is neutral and non-polar, with valine, which is neutral and non-polar, at codon 1699 of the NEB protein (p.Leu1699Val). This variant is present in population databases (no rsID available, gnomAD 0.003%). This variant has not been reported in the literature in individuals affected with NEB-related conditions. ClinVar contains an entry for this variant (Variation ID: 971049). Algorithms developed to predict the effect of missense changes on protein structure and function are either unavailable or do not agree on the potential impact of this missense change (SIFT: "Deleterious"; PolyPhen-2: "Not Available"; Align-GVGD: "Class C0"). In summary, the available evidence is currently insufficient to determine the role of this variant in disease. Therefore, it has been classified as a Variant of Uncertain Significance.

Ambry Genetics
Classification: Uncertain significance for Inborn genetic diseases. Last evaluated: 2020-07-30. Review status: criteria provided, single submitter. Criteria: Ambry Variant Classification Scheme 2023. Collection method: clinical testing. Allele origin: germline.
Comment: The alteration results in an amino acid change:_x000D_ _x000D_ The c.5095C>G (p.L1699V) alteration is located in exon 42 (coding exon 40) of the NEB gene. This alteration results from a C to G substitution at nucleotide position 5095, causing the leucine (L) at amino acid position 1699 to be replaced by a valine (V). The alteration is rare in population databases:_x000D_ _x000D_ Based on data from the Genome Aggregation Database (gnomAD) database, the NEB c.5095C>G alteration was observed in 0.0004% (1/246,962) of total alleles studied. The altered amino acid is conserved throughout evolution:_x000D_ _x000D_ The p.L1699 amino acid is conserved in available vertebrate species. The alteration is predicted tolerated by in silico modeling:_x000D_ _x000D_ The p.L1699V alteration is predicted to be tolerated by in silico analysis. Based on insufficient or conflicting evidence, the clinical significance of this alteration remains unclear.

GeneDx
Classification: Uncertain significance. Last evaluated: 2020-01-07. Review status: criteria provided, single submitter. Criteria: GeneDx Variant Classification Process June 2021. Collection method: clinical testing. Allele origin: germline. Affected: yes.
Comment: Not observed at a significant frequency in large population cohorts (Lek et al., 2016); In silico analysis, which includes protein predictors and evolutionary conservation, supports that this variant does not alter protein structure/function; Has not been previously published as pathogenic or benign to our knowledge

Natera, Inc.
Classification: Uncertain significance for Nemaline myopathy type 2. Last evaluated: 2020-05-12. Review status: no assertion criteria provided. Collection method: clinical testing. Allele origin: germline. Not counted in ClinVar's aggregate classification.

NM_001164508.2(NEB):c.5095C>G (p.Leu1699Val)

Gene: NEB (nebulin; minus strand). Cytogenetic location: 2q23.3.
Variant type: single nucleotide variant.
Coding change: c.5095C>G on transcript NM_001164508.2 (MANE Select); coding-DNA position 5095, C replaced by G.
Protein change: p.Leu1699Val; replaces leucine 1699 with valine.
Molecular consequence: missense variant.
Genome position (GRCh38, 1-based): chr2:151,665,476, G>C on the plus strand (C>G on the coding strand, the complement: NEB is on the minus strand). VCF-style: chr2-151665476-G-C. GRCh37 (hg19) VCF-style: chr2-152521990-G-C.
Other names: c.5095C>G, p.Leu1699Val (NM_001164507.2, NM_001271208.2, NM_004543.5); c.5095C>G (NM_004543.4); short protein forms L1699V.
Identifiers: ClinVar variation 971049 (VCV000971049.10), dbSNP rs1000847538, ClinGen allele CA57645265.
Genomic context (GRCh38, chr2:151,665,476, plus strand): 5'-GCTGGCGATACTTCTTCTCACTAAGAATCTCTCCTGCTTTCTTTGCCTTCTCCACCTCCA[G>C]GGACTCTATGGGCACCCAGCCGATCCCTTTCATCCAATTGGTGAAGTCAGATTTGTACAG-3'
Protein context (NP_001157980.2, residues 1689-1709): KGIGWVPIES[Leu1699Val]EVEKAKKAGE